The following is an entry in ClinVar:

NM_032043.3(BRIP1):c.1901A>G (p.Gln634Arg)

Gene: BRIP1 (BRCA1 interacting DNA helicase 1; minus strand). Cytogenetic location: 17q23.2.
Variant type: single nucleotide variant.
Coding change: c.1901A>G on transcript NM_032043.3 (MANE Select); coding-DNA position 1901, A replaced by G.
Protein change: p.Gln634Arg; replaces glutamine 634 with arginine.
Molecular consequence: missense variant.
Genome position (GRCh38, 1-based): chr17:61,780,295, T>C on the plus strand (A>G on the coding strand, the complement: BRIP1 is on the minus strand). VCF-style: chr17-61780295-T-C. GRCh37 (hg19) VCF-style: chr17-59857656-T-C.
Other names: short protein forms Q634R.
Identifiers: ClinVar variation 1353017 (VCV001353017.7), dbSNP rs2145076105, ClinGen allele CA400479285.
Genomic context (GRCh38, chr17:61,780,295, plus strand): 5'-TTCCAAAAAAAAAAACAACAACTAACCTGTGAATTTTTAATGATATGATTAGCCTCCAGC[T>C]GGATAGTAAATGTAACACCAAGTTCTGACGAAAAGGATTTCATTGGTGATAATGTACCAG-3'
Protein context (NP_114432.2, residues 624-644): SSELGVTFTI[Gln634Arg]LEANHIIKNS

ClinVar aggregate classification (germline): Uncertain significance (1 of 4 stars; one submission).

Conditions:
Familial cancer of breast. Also called: BREAST CANCER, FAMILIAL; hereditary breast carcinoma; Hereditary breast cancer. Identifiers: Orphanet 227535, MedGen C0346153, MONDO:0016419, OMIM 114480. Disease mechanism: loss of function.
Fanconi anemia complementation group J. Also called: BRIP1-Related Fanconi Anemia. Identifiers: Orphanet 84, MedGen C1836860, MONDO:0012187, OMIM 609054.

Submission:

Labcorp Genetics (formerly Invitae), Labcorp
Classification: Uncertain significance for Familial cancer of breast; Fanconi anemia complementation group J. Last evaluated: 2021-11-22. Review status: criteria provided, single submitter. Criteria: Invitae Variant Classification Sherloc (09022015). Collection method: clinical testing. Allele origin: germline.
Comment: In summary, the available evidence is currently insufficient to determine the role of this variant in disease. Therefore, it has been classified as a Variant of Uncertain Significance. Algorithms developed to predict the effect of missense changes on protein structure and function are either unavailable or do not agree on the potential impact of this missense change (SIFT: "Deleterious"; PolyPhen-2: "Possibly Damaging"; Align-GVGD: "Class C0"). This variant has not been reported in the literature in individuals affected with BRIP1-related conditions. This variant is not present in population databases (gnomAD no frequency). This sequence change replaces glutamine, which is neutral and polar, with arginine, which is basic and polar, at codon 634 of the BRIP1 protein (p.Gln634Arg).